The following is an entry in ClinVar:

NM_014975.3(MAST1):c.463G>T (p.Val155Leu)

Gene: MAST1 (microtubule associated serine/threonine kinase 1; plus strand). Cytogenetic location: 19p13.13.
Variant type: single nucleotide variant.
Coding change: c.463G>T on transcript NM_014975.3 (MANE Select); coding-DNA position 463, G replaced by T.
Protein change: p.Val155Leu; replaces valine 155 with leucine.
Molecular consequence: missense variant.
Genome position (GRCh38, 1-based): chr19:12,847,425, G>T. VCF-style: chr19-12847425-G-T. GRCh37 (hg19) VCF-style: chr19-12958239-G-T.
Other names: short protein forms V155L.
Identifiers: ClinVar variation 2026447 (VCV002026447.4), dbSNP rs775623089, ClinGen allele CA305486848.

ClinVar aggregate classification (germline): Uncertain significance (1 of 4 stars; one submission).

gnomAD v4.1: 1 of 1,613,696 alleles (0.000062%); highest among the groups gnomAD compares: Non-Finnish European, 0.000085%; no homozygotes.

Submission:

Labcorp Genetics (formerly Invitae), Labcorp
Classification: Uncertain significance. Last evaluated: 2024-10-22. Review status: criteria provided, single submitter. Criteria: Invitae Variant Classification Sherloc (09022015). Collection method: clinical testing. Allele origin: germline.
Comment: This sequence change replaces valine, which is neutral and non-polar, with leucine, which is neutral and non-polar, at codon 155 of the MAST1 protein (p.Val155Leu). This variant is not present in population databases (gnomAD no frequency). This variant has not been reported in the literature in individuals affected with MAST1-related conditions. ClinVar contains an entry for this variant (Variation ID: 2026447). An algorithm developed to predict the effect of missense changes on protein structure and function (PolyPhen-2) suggests that this variant is likely to be tolerated. In summary, the available evidence is currently insufficient to determine the role of this variant in disease. Therefore, it has been classified as a Variant of Uncertain Significance.